The following is an entry in ClinVar:

ClinVar aggregate classification (germline): Pathogenic (1 of 4 stars; one submission).

Conditions:
Familial cancer of breast. Also called: BREAST CANCER, FAMILIAL; Hereditary breast cancer; hereditary breast carcinoma. Identifiers: Orphanet 227535, MedGen C0346153, MONDO:0016419, OMIM 114480. Disease mechanism: loss of function.

Submission:

Labcorp Genetics (formerly Invitae), Labcorp
Classification: Pathogenic for Familial cancer of breast. Last evaluated: 2022-03-27. Review status: criteria provided, single submitter. Criteria: Invitae Variant Classification Sherloc (09022015). Collection method: clinical testing. Allele origin: germline.
Comment: For these reasons, this variant has been classified as Pathogenic. ClinVar contains an entry for this variant (Variation ID: 951699). This variant has not been reported in the literature in individuals affected with PALB2-related conditions. This variant is not present in population databases (gnomAD no frequency). This sequence change creates a premature translational stop signal (p.Glu672Lysfs*37) in the PALB2 gene. It is expected to result in an absent or disrupted protein product. Loss-of-function variants in PALB2 are known to be pathogenic (PMID: 17200668, 17200671, 17200672, 24136930, 25099575).

Literature cited by the submitters: PubMed 17200668; PubMed 17200671; PubMed 17200672; PubMed 24136930; PubMed 25099575.

NM_024675.4(PALB2):c.2014del (p.Glu672fs)

Gene: PALB2 (partner and localizer of BRCA2; minus strand). Cytogenetic location: 16p12.2.
Variant type: Deletion.
Coding change: c.2014del on transcript NM_024675.4 (MANE Select); coding-DNA position 2014, one base deleted (G; older notation c.2014delG).
Protein change: p.Glu672fs; shifts the reading frame from glutamic acid 672.
Molecular consequence: frameshift variant.
Genome position (GRCh38, 1-based): chr16:23,630,140, C deleted on the plus strand (G on the coding strand, the reverse complement: PALB2 is on the minus strand). VCF-style (leftmost placement, unchanged base first): chr16-23630139-TC-T. GRCh37 (hg19) VCF-style: chr16-23641460-TC-T.
Other names: short protein forms E672fs.
Identifiers: ClinVar variation 951699 (VCV000951699.8), dbSNP rs1966861952, ClinGen allele CA1139664597.